The following is an entry in ClinVar:

NM_000441.2(SLC26A4):c.1253G>A (p.Gly418Glu)

Gene: SLC26A4 (solute carrier family 26 member 4; plus strand). Cytogenetic location: 7q22.3.
Variant type: single nucleotide variant.
Coding change: c.1253G>A on transcript NM_000441.2 (MANE Select); coding-DNA position 1253, G replaced by A.
Protein change: p.Gly418Glu; replaces glycine 418 with glutamic acid.
Molecular consequence: missense variant.
Genome position (GRCh38, 1-based): chr7:107,690,227, G>A. VCF-style: chr7-107690227-G-A. GRCh37 (hg19) VCF-style: chr7-107330672-G-A.
Other names: short protein forms G418E.
Identifiers: ClinVar variation 179730 (VCV000179730.5), dbSNP rs727505087, ClinGen allele CA185011.

ClinVar aggregate classification (germline): Uncertain significance (1 of 4 stars; one submission).

Submission:

Laboratory for Molecular Medicine, Mass General Brigham Personalized Medicine
Classification: Uncertain significance. Last evaluated: 2014-05-23. Review status: criteria provided, single submitter. Criteria: LMM Criteria. Collection method: clinical testing. Allele origin: germline. Observed: 2 variant alleles.
Comment: The Gly418Glu variant in SLC26A4 has not been previously reported in individuals with hearing loss and was absent from large population studies. Computational p rediction tools and conservation analyses suggest this variant may impact the pr otein, though this information is not predictive enough to determine pathogenici ty. In summary, the clinical significance of the Gly418Glu variant is uncertain.